The following is an entry in ClinVar:

ClinVar aggregate classification (germline): Likely benign. Review status: criteria provided, multiple submitters, no conflicts (2 of 4 stars). 2 submissions from 2 submitters: Likely benign (2). Last evaluated 2025-11-17.

Allele frequency attached by ClinVar (database versions not stated): gnomAD 0.00001 and 0.00002; ExAC 0.00003; gnomAD exomes 0.00003 and 0.00004; TOPMed 0.00003.
gnomAD v4.1: 61 of 1,613,902 alleles (0.0038%); highest among the groups gnomAD compares: Non-Finnish European, 0.0047%; no homozygotes.

Submissions (2):

Labcorp Genetics (formerly Invitae), Labcorp
Classification: Likely benign. Last evaluated: 2025-11-17. Review status: criteria provided, single submitter. Criteria: Invitae Variant Classification Sherloc (09022015). Collection method: clinical testing. Allele origin: germline.

Laboratory for Molecular Medicine, Mass General Brigham Personalized Medicine
Classification: Likely benign. Last evaluated: 2017-03-13. Review status: criteria provided, single submitter. Criteria: LMM Criteria. Collection method: clinical testing. Allele origin: germline. Observed: 1 variant allele.
Comment: p.Asn1738Asn in exon 41 of CDH23: This variant is not expected to have clinical significance because it does not alter an amino acid residue and it is not locat ed within the splice consensus sequence. It has been identified in 3/66484 of E uropean chromosomes by the Exome Aggregation Consortium (ExAC; dbSNP rs767794239).

NM_022124.6(CDH23):c.5214C>T (p.Asn1738=)

Gene: CDH23 (cadherin related 23; plus strand). Cytogenetic location: 10q22.1.
Variant type: single nucleotide variant.
Coding change: c.5214C>T on transcript NM_022124.6 (MANE Select); coding-DNA position 5214, C replaced by T.
Protein change: p.Asn1738=; no amino-acid change (asparagine 1738 retained).
Molecular consequence: synonymous variant.
Genome position (GRCh38, 1-based): chr10:71,779,293, C>T. VCF-style: chr10-71779293-C-T. GRCh37 (hg19) VCF-style: chr10-73539050-C-T.
Identifiers: ClinVar variation 517334 (VCV000517334.11), dbSNP rs767794239, ClinGen allele CA5545686.
Genomic context (GRCh38, chr10:71,779,293, plus strand): 5'-GTGAGGCCTTGGCTAAGCTTTTCCACCATCTCAGGTGCTTGTGAATGTGAATGACATCAA[C>T]GACAATGTGCCTACCTTCCCCCGGGACTATGAGGGACCATTTGAAGTCACTGAGGGCCAG-3'
Protein context (NP_071407.4, residues 1728-1748): TTVLVNVNDI[Asn1738=]DNVPTFPRDY